The following is an entry in ClinVar:

ClinVar aggregate classification (germline): Uncertain significance. Review status: criteria provided, single submitter (1 of 4 stars). 2 submissions from 2 submitters: Uncertain significance (1). 1 of the submissions does not count toward it. Last evaluated 2025-10-21.

Conditions:
Congenital myasthenic syndrome (CMS). Also called: Congenital Myasthenic Syndromes. Identifiers: Orphanet 590, MedGen C0751882, MeSH D020294, MONDO:0018940.
Congenital myasthenic syndrome 4A. Also called: MYASTHENIC SYNDROME, CONGENITAL, 4A, SLOW-CHANNEL, AUTOSOMAL RECESSIVE; Myasthenic syndrome, congenital, 4a, slow-channel; CONGENITAL MYASTHENIC SYNDROME TYPE Ia1. Identifiers: Orphanet 590, MedGen C4225413, MONDO:0011600, OMIM 605809.

Allele frequency attached by ClinVar (database versions not stated): gnomAD exomes below 0.00001 and 0.00001; gnomAD 0.00001; TOPMed 0.00003.

Submissions (2):

Labcorp Genetics (formerly Invitae), Labcorp
Classification: Uncertain significance for Congenital myasthenic syndrome 4A. Last evaluated: 2025-10-21. Review status: criteria provided, single submitter. Criteria: Invitae Variant Classification Sherloc (09022015). Collection method: clinical testing. Allele origin: germline.
Comment: This sequence change replaces isoleucine, which is neutral and non-polar, with phenylalanine, which is neutral and non-polar, at codon 194 of the CHRNE protein (p.Ile194Phe). This variant is present in population databases (no rsID available, gnomAD 0.0009%). This variant has not been reported in the literature in individuals affected with CHRNE-related conditions. ClinVar contains an entry for this variant (Variation ID: 663474). Invitae Evidence Modeling of protein sequence and biophysical properties (such as structural, functional, and spatial information, amino acid conservation, physicochemical variation, residue mobility, and thermodynamic stability) has been performed for this missense variant. However, the output from this modeling did not meet the statistical confidence thresholds required to predict the impact of this variant on CHRNE protein function. In summary, the available evidence is currently insufficient to determine the role of this variant in disease. Therefore, it has been classified as a Variant of Uncertain Significance.

Natera, Inc.
Classification: Uncertain significance for Congenital myasthenic syndrome. Last evaluated: 2020-03-05. Review status: no assertion criteria provided. Collection method: clinical testing. Allele origin: germline. Not counted in ClinVar's aggregate classification.

NM_000080.4(CHRNE):c.580A>T (p.Ile194Phe)

Genes: C17orf107 (chromosome 17 open reading frame 107; plus strand), CHRNE (cholinergic receptor nicotinic epsilon subunit; minus strand). Cytogenetic location: 17p13.2.
Variant type: single nucleotide variant.
Coding change: c.580A>T on transcript NM_000080.4 (MANE Select); coding-DNA position 580, A replaced by T.
Protein change: p.Ile194Phe; replaces isoleucine 194 with phenylalanine.
Molecular consequence: missense variant. On other transcripts: 3 prime UTR variant (1).
Genome position (GRCh38, 1-based): chr17:4,901,546, T>A on the plus strand (A>T on the coding strand, the complement: CHRNE is on the minus strand). VCF-style: chr17-4901546-T-A. GRCh37 (hg19) VCF-style: chr17-4804841-T-A.
Other names: c.*1013T>A (NM_001145536.2); short protein forms I194F.
Identifiers: ClinVar variation 663474 (VCV000663474.8), dbSNP rs1020146692, ClinGen allele CA287185333.